The following is an entry in ClinVar:

NM_001042492.3(NF1):c.2743A>G (p.Thr915Ala)

Gene: NF1 (neurofibromin 1; plus strand). Cytogenetic location: 17q11.2.
Variant type: single nucleotide variant.
Coding change: c.2743A>G on transcript NM_001042492.3 (MANE Select); coding-DNA position 2743, A replaced by G.
Protein change: p.Thr915Ala; replaces threonine 915 with alanine.
Molecular consequence: missense variant.
Genome position (GRCh38, 1-based): chr17:31,229,358, A>G. VCF-style: chr17-31229358-A-G. GRCh37 (hg19) VCF-style: chr17-29556376-A-G.
Other names: c.2743A>G, p.Thr915Ala (NM_000267.4); short protein forms T915A.
Identifiers: ClinVar variation 4119067 (VCV004119067.1).
Genomic context (GRCh38, chr17:31,229,358, plus strand): 5'-ATGGATCGGCTGTTGTCCTTAATGGTGTGTAACCATGAGAAAGTGGGACTTCAAATACGG[A>G]CCAATGTTAAGGATCTGGTGGGTCTAGAATTGAGTCCTGCTCTGTATCCAATGCTATTTA-3'
Protein context (NP_001035957.1, residues 905-925): NHEKVGLQIR[Thr915Ala]NVKDLVGLEL

ClinVar aggregate classification (germline): Uncertain significance (1 of 4 stars; one submission).

Conditions:
Cardiovascular phenotype. Identifiers: MedGen CN230736.
Hereditary cancer-predisposing syndrome. Also called: Hereditary neoplastic syndrome; Neoplastic Syndromes, Hereditary; Tumor predisposition; Hereditary Cancer Syndrome. Identifiers: Orphanet 140162, MedGen C0027672, MeSH D009386, MONDO:0015356.

Submission:

Ambry Genetics
Classification: Uncertain significance for Cardiovascular phenotype; Hereditary cancer-predisposing syndrome. Last evaluated: 2025-06-23. Review status: criteria provided, single submitter. Criteria: Ambry Variant Classification Scheme 2023. Collection method: clinical testing. Allele origin: germline.
Comment: The p.T915A variant (also known as c.2743A>G), located in coding exon 21 of the NF1 gene, results from an A to G substitution at nucleotide position 2743. The threonine at codon 915 is replaced by alanine, an amino acid with similar properties. This amino acid position is conserved. In addition, the in silico prediction for this alteration is inconclusive. Based on the available evidence, the clinical significance of this variant remains unclear.